The following is an entry in ClinVar:

ClinVar aggregate classification (germline): Benign. Review status: criteria provided, single submitter (1 of 4 stars). 2 submissions from 2 submitters: Benign (1). 1 of the submissions does not count toward it. Last evaluated 2025-02-12.

Conditions:
UCP3-related disorder. Also called: UCP3-related condition.

Allele frequency attached by ClinVar (database versions not stated): gnomAD exomes 0.00006; gnomAD 0.00007; TOPMed 0.00007; ExAC 0.00012; ESP Exome Variant Server 0.00031.
gnomAD v4.1: 110 of 1,614,074 alleles (0.0068%); highest among the groups gnomAD compares: Middle Eastern, 0.12%; no homozygotes.

Submissions (2):

Labcorp Genetics (formerly Invitae), Labcorp
Classification: Benign. Last evaluated: 2025-02-12. Review status: criteria provided, single submitter. Criteria: Invitae Variant Classification Sherloc (09022015). Collection method: clinical testing. Allele origin: germline.

PreventionGenetics, part of Exact Sciences
Classification: Likely benign for UCP3-related condition. Last evaluated: 2022-01-22. Review status: no assertion criteria provided. Collection method: clinical testing. Allele origin: germline. Not counted in ClinVar's aggregate classification.
Comment: This variant is classified as likely benign based on ACMG/AMP sequence variant interpretation guidelines (Richards et al. 2015 PMID: 25741868, with internal and published modifications).

NM_003356.4(UCP3):c.591G>T (p.Val197=)

Genes: UCP3 (uncoupling protein 3; minus strand), LOC126861261 (MED14-independent group 3 enhancer GRCh37_chr11:73715060-73716259; plus strand). Cytogenetic location: 11q13.4.
Variant type: single nucleotide variant.
Coding change: c.591G>T on transcript NM_003356.4 (MANE Select); coding-DNA position 591, G replaced by T.
Protein change: p.Val197=; no amino-acid change (valine 197 retained).
Molecular consequence: synonymous variant.
Genome position (GRCh38, 1-based): chr11:74,004,536, C>A on the plus strand (G>T on the coding strand, the complement: UCP3 is on the minus strand). VCF-style: chr11-74004536-C-A. GRCh37 (hg19) VCF-style: chr11-73715581-C-A.
Other names: c.591G>T, p.Val197= (NM_022803.3).
Identifiers: ClinVar variation 3040683 (VCV003040683.3), dbSNP rs149193327, ClinGen allele CA6181431.
Genomic context (GRCh38, chr11:74,004,536, plus strand): 5'-GGCCTCACCAGTGAGCAGGTGGTAGTCCAGCAGCTTCTCCTTGAGGATGTCGTAGGTCAC[C>A]ACCTCAGCACAGTTGACGATAGCATTCCTCATGATGTTGGGCAAAGTTCCTGTTAGGAAG-3'
Protein context (NP_003347.1, residues 187-207): MRNAIVNCAE[Val197=]VTYDILKEKL